The following is an entry in ClinVar:

ClinVar aggregate classification (germline): Pathogenic. Review status: reviewed by expert panel (3 of 4 stars). 2 submissions from 2 submitters: Pathogenic (1). 1 of the submissions does not count toward it. Last evaluated 2017-12-15.

Conditions:
Breast-ovarian cancer, familial, susceptibility to, 2 (BROVCA2). Also called: BRCA2 Hereditary Breast and Ovarian Cancer. Identifiers: Orphanet 145, MedGen C2675520, MONDO:0012933, OMIM 612555. Disease mechanism: loss of function.
Familial cancer of breast. Also called: BREAST CANCER, FAMILIAL; Hereditary breast cancer; hereditary breast carcinoma. Identifiers: Orphanet 227535, MedGen C0346153, MONDO:0016419, OMIM 114480. Disease mechanism: loss of function.

Submissions (2):

Evidence-based Network for the Interpretation of Germline Mutant Alleles (ENIGMA)
Classification: Pathogenic for Breast-ovarian cancer, familial, susceptibility to, 2. Last evaluated: 2017-12-15. Review status: reviewed by expert panel. Criteria: ENIGMA BRCA1/2 Classification Criteria (2017-06-29). Collection method: curation. Allele origin: germline. Study: ENIGMA.
Comment: Variant allele predicted to encode a truncated non-functional protein.

ClinVar Staff, National Center for Biotechnology Information (NCBI)
No classification provided. Condition: Familial cancer of breast. Review status: no classification provided. Collection method: literature only. Allele origin: germline. Affected: yes. Not counted in ClinVar's aggregate classification.

Literature cited by the submitters: PubMed 22762150 (cited by ClinVar Staff, National Center for Biotechnology Information (NCBI)).

NM_000059.4(BRCA2):c.5944del (p.Ser1982fs)

Gene: BRCA2 (BRCA2 DNA repair associated; plus strand). Cytogenetic location: 13q13.1.
Variant type: Deletion.
Coding change: c.5944del on transcript NM_000059.4 (MANE Select); coding-DNA position 5944, one base deleted (A; older notation c.5944delA).
Protein change: p.Ser1982fs; shifts the reading frame from serine 1982.
Molecular consequence: frameshift variant.
Genome position (GRCh38, 1-based): chr13:32,340,299, A deleted; the last of 2 consecutive A bases (chr13:32,340,298-32,340,299); deleting either gives the same sequence. VCF-style (leftmost placement, unchanged base first): chr13-32340297-CA-C. GRCh37 (hg19) VCF-style: chr13-32914434-CA-C.
Other names: c.5944delA (NM_000059.3); short protein forms S1982fs.
Identifiers: ClinVar variation 51967 (VCV000051967.3), dbSNP rs796460349, ClinGen allele CA023392.
Genomic context (GRCh38, chr13:32,340,297, plus strand): 5'-GTATAGGGAAGCTTCATAAGTCAGTCTCATCTGCAAATACTTGTGGGATTTTTAGCACAG[CA>C]AGTGGAAAATCTGTCCAGGTATCAGATGCTTCATTACAAAACGCAAGACAAGTGTTTTCT-3'